The following is an entry in ClinVar:

ClinVar aggregate classification (germline): Uncertain significance (1 of 4 stars; one submission).

Conditions:
Emery-Dreifuss muscular dystrophy 5, autosomal dominant (EDMD5). Also called: EMERY-DREIFUSS MUSCULAR DYSTROPHY 5. Identifiers: Orphanet 261, MedGen C2751805, MONDO:0013072, OMIM 612999.

Submission:

Labcorp Genetics (formerly Invitae), Labcorp
Classification: Uncertain significance for Emery-Dreifuss muscular dystrophy 5, autosomal dominant. Last evaluated: 2022-07-01. Review status: criteria provided, single submitter. Criteria: Invitae Variant Classification Sherloc (09022015). Collection method: clinical testing. Allele origin: germline.
Comment: In summary, the available evidence is currently insufficient to determine the role of this variant in disease. Therefore, it has been classified as a Variant of Uncertain Significance. Algorithms developed to predict the effect of missense changes on protein structure and function are either unavailable or do not agree on the potential impact of this missense change (SIFT: "Tolerated"; PolyPhen-2: "Probably Damaging"; Align-GVGD: "Class C0"). This variant has not been reported in the literature in individuals affected with SYNE2-related conditions. This variant is not present in population databases (gnomAD no frequency). This sequence change replaces lysine, which is basic and polar, with glutamic acid, which is acidic and polar, at codon 1607 of the SYNE2 protein (p.Lys1607Glu).

NM_182914.3(SYNE2):c.4819A>G (p.Lys1607Glu)

Gene: SYNE2 (spectrin repeat containing nuclear envelope protein 2; plus strand). Cytogenetic location: 14q23.2.
Variant type: single nucleotide variant.
Coding change: c.4819A>G on transcript NM_182914.3 (MANE Select); coding-DNA position 4819, A replaced by G.
Protein change: p.Lys1607Glu; replaces lysine 1607 with glutamic acid.
Molecular consequence: missense variant.
Genome position (GRCh38, 1-based): chr14:64,016,563, A>G. VCF-style: chr14-64016563-A-G. GRCh37 (hg19) VCF-style: chr14-64483281-A-G.
Other names: c.4819A>G, p.Lys1607Glu (NM_015180.6); short protein forms K1607E.
Identifiers: ClinVar variation 2123262 (VCV002123262.4), dbSNP rs2096893652, ClinGen allele CA389937297.
Genomic context (GRCh38, chr14:64,016,563, plus strand): 5'-CATTTAGAAGTTGTAGACAAGATAAACCAGGTCTGCAAAAATCTACAATTTTATCTAAAT[A>G]AAATGAAAACTTTTGAAGAGCCCCCTTTTGAAAAAGAGGCTAATATTATTGTGGATAGAT-3'
Protein context (NP_878918.2, residues 1597-1617): VCKNLQFYLN[Lys1607Glu]MKTFEEPPFE